The following is an entry in ClinVar:

ClinVar aggregate classification (germline): Uncertain significance (1 of 4 stars; one submission).

Conditions:
Combined deficiency of sialidase AND beta galactosidase (GSL). Also called: PROTECTIVE PROTEIN/CATHEPSIN A DEFICIENCY; GOLDBERG SYNDROME; NEURAMINIDASE DEFICIENCY WITH BETA-GALACTOSIDASE DEFICIENCY; NEURAMINIDASE/BETA-GALACTOSIDASE EXPRESSION; Galactosialidosis; CATHEPSIN A DEFICIENCY. Identifiers: Orphanet 351, MedGen C0268233, MONDO:0009737, OMIM 256540.

Submission:

Labcorp Genetics (formerly Invitae), Labcorp
Classification: Uncertain significance for Combined deficiency of sialidase AND beta galactosidase. Last evaluated: 2022-08-31. Review status: criteria provided, single submitter. Criteria: Invitae Variant Classification Sherloc (09022015). Collection method: clinical testing. Allele origin: germline.
Comment: This variant, c.102_110del, results in the deletion of 3 amino acid(s) of the CTSA protein (p.Leu35_Leu37del), but otherwise preserves the integrity of the reading frame. The frequency data for this variant in the population databases is considered unreliable, as metrics indicate poor data quality at this position in the gnomAD database. This variant has not been reported in the literature in individuals affected with CTSA-related conditions. Experimental studies and prediction algorithms are not available or were not evaluated, and the functional significance of this variant is currently unknown. In summary, the available evidence is currently insufficient to determine the role of this variant in disease. Therefore, it has been classified as a Variant of Uncertain Significance.

NM_000308.4(CTSA):c.33GCT[5] (p.Leu17_Leu19del)

Gene: CTSA (cathepsin A; plus strand). Cytogenetic location: 20q13.12.
Variant type: Microsatellite.
Coding change: c.33GCT[5] on transcript NM_000308.4 (MANE Select); five copies in a row of the 3-base unit GCT starting at c.33; the reference has eight copies in a row; three copies, 9 bases deleted.
Protein change: p.Leu17_Leu19del.
Molecular consequence: inframe deletion. On other transcripts: non-coding transcript variant (1).
Genome position (GRCh38, 1-based): chr20:45,891,616-45,891,624, GCTGCTGCT deleted; deleting any 9 consecutive bases within chr20:45,891,599-45,891,624 gives the same sequence; the position shown is the placement nearest the transcript's 3' end. VCF-style (leftmost placement, unchanged base first): chr20-45891598-CCTGCTGCTG-C. GRCh37 (hg19) VCF-style: chr20-44520237-CCTGCTGCTG-C.
Other names: c.33GCT[5], p.Leu17_Leu19del (NM_001127695.3, NM_001167594.3).
Identifiers: ClinVar variation 1379276 (VCV001379276.6), dbSNP rs72555383, ClinGen allele CA9882898.